The following is an entry in ClinVar:

NM_001394062.1(MACF1):c.440A>C (p.Lys147Thr)

Gene: MACF1 (microtubule actin crosslinking factor 1; plus strand). Cytogenetic location: 1p34.3.
Variant type: single nucleotide variant.
Coding change: c.440A>C on transcript NM_001394062.1 (MANE Select); coding-DNA position 440, A replaced by C.
Protein change: p.Lys147Thr; replaces lysine 147 with threonine.
Molecular consequence: missense variant.
Genome position (GRCh38, 1-based): chr1:39,257,940, A>C. VCF-style: chr1-39257940-A-C. GRCh37 (hg19) VCF-style: chr1-39723612-A-C.
Other names: c.455A>C, p.Lys152Thr (NM_012090.5); short protein forms K147T, K152T.
Identifiers: ClinVar variation 3234109 (VCV003234109.1), dbSNP rs2522932544, ClinGen allele CA339738056.

ClinVar aggregate classification (germline): Uncertain significance (1 of 4 stars; one submission).

Conditions:
Lissencephaly 9 with complex brainstem malformation. Identifiers: Orphanet 572013, MedGen C5193029, MONDO:0032677, OMIM 618325.

Submission:

MVZ Medizinische Genetik Mainz
Classification: Uncertain significance for Lissencephaly 9 with complex brainstem malformation. Last evaluated: 2023-06-13. Review status: criteria provided, single submitter. Criteria: UK Practice Guidelines For Variant Classification V4 01 2020. Collection method: clinical testing. Allele origin: germline. Inheritance: Autosomal dominant inheritance. Affected: yes. Observed: 1 variant allele.
Comment: ACMG Criteria: PP3_MOD,PM2_SUP,PP2